The following is an entry in ClinVar:

NM_002529.4(NTRK1):c.1021G>A (p.Val341Met)

Gene: NTRK1 (neurotrophic receptor tyrosine kinase 1; plus strand). Cytogenetic location: 1q23.1.
Variant type: single nucleotide variant.
Coding change: c.1021G>A on transcript NM_002529.4 (MANE Select); coding-DNA position 1021, G replaced by A.
Protein change: p.Val341Met; replaces valine 341 with methionine.
Molecular consequence: missense variant.
Genome position (GRCh38, 1-based): chr1:156,873,803, G>A. VCF-style: chr1-156873803-G-A. GRCh37 (hg19) VCF-style: chr1-156843595-G-A.
Other names: c.1021G>A (NM_002529.3); c.931G>A, p.Val311Met (NM_001007792.1); c.1021G>A, p.Val341Met (NM_001012331.2); short protein forms V311M, V341M.
Identifiers: ClinVar variation 991737 (VCV000991737.4), dbSNP rs139875058, ClinGen allele CA1169171.

ClinVar aggregate classification (germline): Uncertain significance. Review status: criteria provided, multiple submitters, no conflicts (2 of 4 stars). 3 submissions from 3 submitters: Uncertain significance (2). 1 of the submissions does not count toward it. Last evaluated 2025-12-05.

Conditions:
Hereditary insensitivity to pain with anhidrosis (CIPA). Also called: HSAN Type IV; NEUROPATHY, CONGENITAL SENSORY, WITH ANHIDROSIS; NTRK1 Congenital Insensitivity to Pain with Anhidrosis; hereditary sensory and autonomic neuropathy type 4; INSENSITIVITY TO PAIN, CONGENITAL, WITH ANHIDROSIS; FAMILIAL DYSAUTONOMIA, TYPE II. Identifiers: Orphanet 642, MedGen C0020074, MONDO:0009746, OMIM 256800.
NTRK1-related disorder. Also called: NTRK1-related condition.

Allele frequency attached by ClinVar (database versions not stated): gnomAD exomes 0.00001 and 0.00002; gnomAD 0.00003; TOPMed 0.00004; ExAC 0.00006; ESP Exome Variant Server 0.00008.
gnomAD v4.1: 24 of 1,612,896 alleles (0.0015%); highest among the groups gnomAD compares: East Asian, 0.0089%; no homozygotes.

Submissions (3):

PreventionGenetics, part of Exact Sciences
Classification: Uncertain significance for NTRK1-related condition. Last evaluated: 2025-12-05. Review status: criteria provided, single submitter. Criteria: ACMG Guidelines, 2015. Collection method: clinical testing. Allele origin: germline.
Comment: The NTRK1 c.1021G>A variant is predicted to result in the amino acid substitution p.Val341Met. To our knowledge, this variant has not been reported in the literature. This variant is reported in 0.010% of alleles in individuals of East Asian descent in gnomAD. At this time, the clinical significance of this variant is uncertain due to the absence of conclusive functional and genetic evidence.

Labcorp Genetics (formerly Invitae), Labcorp
Classification: Uncertain significance for Hereditary insensitivity to pain with anhidrosis. Last evaluated: 2022-05-27. Review status: criteria provided, single submitter. Criteria: Invitae Variant Classification Sherloc (09022015). Collection method: clinical testing. Allele origin: germline.
Comment: This sequence change replaces valine, which is neutral and non-polar, with methionine, which is neutral and non-polar, at codon 341 of the NTRK1 protein (p.Val341Met). This variant is present in population databases (rs139875058, gnomAD 0.02%). This variant has not been reported in the literature in individuals affected with NTRK1-related conditions. ClinVar contains an entry for this variant (Variation ID: 991737). Advanced modeling of protein sequence and biophysical properties (such as structural, functional, and spatial information, amino acid conservation, physicochemical variation, residue mobility, and thermodynamic stability) performed at Invitae indicates that this missense variant is not expected to disrupt NTRK1 protein function. In summary, the available evidence is currently insufficient to determine the role of this variant in disease. Therefore, it has been classified as a Variant of Uncertain Significance.

Natera, Inc.
Classification: Uncertain significance for Hereditary insensitivity to pain with anhidrosis. Last evaluated: 2020-04-17. Review status: no assertion criteria provided. Collection method: clinical testing. Allele origin: germline. Not counted in ClinVar's aggregate classification.